The following is an entry in ClinVar:

ClinVar aggregate classification (germline): Uncertain significance (1 of 4 stars; one submission).

Conditions:
Autosomal dominant polycystic kidney disease. Identifiers: Orphanet 730, MedGen C0085413, MONDO:0004691.

Submission:

Labcorp Genetics (formerly Invitae), Labcorp
Classification: Uncertain significance for Autosomal dominant polycystic kidney disease. Last evaluated: 2022-08-08. Review status: criteria provided, single submitter. Criteria: Invitae Variant Classification Sherloc (09022015). Collection method: clinical testing. Allele origin: germline.
Comment: In summary, the available evidence is currently insufficient to determine the role of this variant in disease. Therefore, it has been classified as a Variant of Uncertain Significance. Algorithms developed to predict the effect of missense changes on protein structure and function are either unavailable or do not agree on the potential impact of this missense change (SIFT: "Deleterious"; PolyPhen-2: "Benign"; Align-GVGD: "Class C0"). This variant has not been reported in the literature in individuals affected with PKD2-related conditions. This variant is not present in population databases (gnomAD no frequency). This sequence change replaces threonine, which is neutral and polar, with isoleucine, which is neutral and non-polar, at codon 952 of the PKD2 protein (p.Thr952Ile).

NM_000297.4(PKD2):c.2855C>T (p.Thr952Ile)

Gene: PKD2 (polycystin 2, transient receptor potential cation channel; plus strand). Cytogenetic location: 4q22.1.
Variant type: single nucleotide variant.
Coding change: c.2855C>T on transcript NM_000297.4 (MANE Select); coding-DNA position 2855, C replaced by T.
Protein change: p.Thr952Ile; replaces threonine 952 with isoleucine.
Molecular consequence: missense variant. On other transcripts: non-coding transcript variant (1).
Genome position (GRCh38, 1-based): chr4:88,075,642, C>T. VCF-style: chr4-88075642-C-T. GRCh37 (hg19) VCF-style: chr4-88996794-C-T.
Other names: short protein forms T952I.
Identifiers: ClinVar variation 1715749 (VCV001715749.5), dbSNP rs2476012272, ClinGen allele CA357628936.